The following is an entry in ClinVar:

ClinVar aggregate classification (germline): Benign (1 of 4 stars; one submission).

Conditions:
Joubert syndrome 17 (JBTS17). Identifiers: Orphanet 475, MedGen C3553264, MONDO:0013824, OMIM 614615.

Allele frequency attached by ClinVar (database versions not stated): gnomAD exomes 0.00119; gnomAD 0.01696 and 0.01830; 1000 Genomes Project 30x 0.01733; 1000 Genomes Project 0.01757; TOPMed 0.01863.
gnomAD v4.1: 2,920 of 440,250 alleles (0.66%); highest among the groups gnomAD compares: African/African-American, 5.9%; 89 homozygotes.

Submission:

Illumina Laboratory Services, Illumina
Classification: Benign for Joubert syndrome 17. Last evaluated: 2018-01-13. Review status: criteria provided, single submitter. Criteria: ICSL Variant Classification Criteria 13 December 2019. Collection method: clinical testing. Allele origin: germline.
Comment: This variant was observed in the ICSL laboratory as part of a predisposition screen in an ostensibly healthy population. It had not been previously curated by ICSL or reported in the Human Gene Mutation Database (HGMD: prior to June 1st, 2018), and was therefore a candidate for classification through an automated scoring system. Utilizing variant allele frequency, disease prevalence and penetrance estimates, and inheritance mode, an automated score was calculated to assess if this variant is too frequent to cause the disease. Based on the score and internal cut-off values, a variant classified as benign is not then subjected to further curation. The score for this variant resulted in a classification of benign for this disease.

NM_001384732.1(CPLANE1):c.*889A>G

Gene: CPLANE1 (ciliogenesis and planar polarity effector complex subunit 1; minus strand). Cytogenetic location: 5p13.2.
Variant type: single nucleotide variant.
Coding change: c.*889A>G on transcript NM_001384732.1 (MANE Select); 889 bases downstream of the stop codon, A replaced by G.
Molecular consequence: 3 prime UTR variant.
Genome position (GRCh38, 1-based): chr5:37,106,713, T>C on the plus strand (A>G on the coding strand, the complement: CPLANE1 is on the minus strand). VCF-style: chr5-37106713-T-C. GRCh37 (hg19) VCF-style: chr5-37106815-T-C.
Other names: c.*889A>G (NM_023073.4).
Identifiers: ClinVar variation 353401 (VCV000353401.5), dbSNP rs75549748, ClinGen allele CA10624627.